The following is an entry in ClinVar:

ClinVar aggregate classification (germline): Uncertain significance (1 of 4 stars; one submission).

gnomAD v4.1: 1 of 1,613,606 alleles (0.000062%); highest among the groups gnomAD compares: Non-Finnish European, 0.000085%; no homozygotes.

Submission:

Labcorp Genetics (formerly Invitae), Labcorp
Classification: Uncertain significance. Last evaluated: 2025-08-29. Review status: criteria provided, single submitter. Criteria: Invitae Variant Classification Sherloc (09022015). Collection method: clinical testing. Allele origin: germline.
Comment: This sequence change replaces leucine, which is neutral and non-polar, with proline, which is neutral and non-polar, at codon 191 of the SETBP1 protein (p.Leu191Pro). This variant is not present in population databases (gnomAD no frequency). This variant has not been reported in the literature in individuals affected with SETBP1-related conditions. Invitae Evidence Modeling of protein sequence and biophysical properties (such as structural, functional, and spatial information, amino acid conservation, physicochemical variation, residue mobility, and thermodynamic stability) indicates that this missense variant is not expected to disrupt SETBP1 protein function with a negative predictive value of 80%. In summary, the available evidence is currently insufficient to determine the role of this variant in disease. Therefore, it has been classified as a Variant of Uncertain Significance.

NM_015559.3(SETBP1):c.572T>C (p.Leu191Pro)

Gene: SETBP1 (SET binding protein 1; plus strand). Cytogenetic location: 18q12.3.
Variant type: single nucleotide variant.
Coding change: c.572T>C on transcript NM_015559.3 (MANE Select); coding-DNA position 572, T replaced by C.
Protein change: p.Leu191Pro; replaces leucine 191 with proline.
Molecular consequence: missense variant.
Genome position (GRCh38, 1-based): chr18:44,949,912, T>C. VCF-style: chr18-44949912-T-C. GRCh37 (hg19) VCF-style: chr18-42529877-T-C.
Other names: c.572T>C, p.Leu191Pro (NM_001379141.1, NM_001379142.1, NM_001410862.1); short protein forms L191P.
Identifiers: ClinVar variation 4746648 (VCV004746648.1).